The following is an entry in ClinVar:

NM_000545.8(HNF1A):c.779C>A (p.Thr260Lys)

Gene: HNF1A (HNF1 homeobox A; plus strand). Cytogenetic location: 12q24.31.
Variant type: single nucleotide variant.
Coding change: c.779C>A on transcript NM_000545.8 (MANE Select); coding-DNA position 779, C replaced by A.
Protein change: p.Thr260Lys; replaces threonine 260 with lysine.
Molecular consequence: missense variant.
Genome position (GRCh38, 1-based): chr12:120,994,229, C>A. VCF-style: chr12-120994229-C-A. GRCh37 (hg19) VCF-style: chr12-121432032-C-A.
Other names: NM_001306179.2:c.779C>A; c.779C>A, p.Thr260Lys (NM_001306179.2, NM_001406915.1); short protein forms T260K.
Identifiers: ClinVar variation 2581121 (VCV002581121.1), dbSNP rs886039544, ClinGen allele CA386966081.

ClinVar aggregate classification (germline): Likely pathogenic (3 of 4 stars; one submission).

Conditions:
Monogenic diabetes. Identifiers: Orphanet 183625, MedGen C3888631, MONDO:0015967.

Submission:

ClinGen Monogenic Diabetes Variant Curation Expert Panel
Classification: Likely pathogenic for Monogenic diabetes. Last evaluated: 2023-09-19. Review status: reviewed by expert panel. Criteria: ClinGen Diabetes ACMG Specifications HNF1A V2.1.0. Collection method: curation. Allele origin: germline. Inheritance: Autosomal dominant inheritance.
Comment: The c.779C>A variant in the HNF1 homeobox A gene, HNF1A, causes an amino acid change of threonine to lysine at codon 260 (p.(Thr260Lys)) of NM_000545.8. This variant is predicted to be deleterious by computational evidence, with a REVEL score of 0.925, which is greater than the MDEP VCEP threshold of 0.70 (PP3). This variant is located within a conserved region of the DNA binding domain (codons 107-174 and 201-280) of HNF1A, which is defined as critical for the protein’s function by the ClinGen MDEP (PM1_Supporting). This variant is absent from gnomAD v2.1.1 (PM2_Supporting). This variant was identified in two unrelated individuals with non-autoimmune and non-absolute/near-absolute insulin-deficient diabetes; however, PS4_Moderate cannot be applied because this number is below the ClinGen MDEP threshold (internal lab contributors). While the MODY probability score was slightly below 50%, the patient was on insulin with a C-peptide in the normal range and thus the score was likely an underestimate, and clinical judgment was used to apply PP4_Moderate (internal lab contributors). Another missense variant, c.779C>T p.Thr260Met, has been classified as pathogenic by the ClinGen MDEP but has a greater Grantham distance than p.Thr260Lys (PM5_Supporting). In summary, c.779C>A meets the criteria to be classified as likely pathogenic for monogenic diabetes. ACMG/AMP criteria applied, as specified by the ClinGen MDEP (specification version 2.1.0, approved 8/11/2023): PP4_Moderate, PP3, PM1_Supporting, PM2_Supporting, PM5_Supporting.